The following is an entry in ClinVar:

ClinVar aggregate classification (germline): Uncertain significance (1 of 4 stars; one submission).

Conditions:
Charcot-Marie-Tooth disease axonal type 2O. Also called: CHARCOT-MARIE-TOOTH NEUROPATHY, AXONAL, TYPE 2O; CHARCOT-MARIE-TOOTH DISEASE, AXONAL, AUTOSOMAL DOMINANT, TYPE 2O; Charcot-Marie-Tooth Neuropathy Type 2O; Charcot-Marie-Tooth disease, axonal, type 20. Identifiers: Orphanet 284232, MedGen C3280220, MONDO:0013644, OMIM 614228.

Submission:

Labcorp Genetics (formerly Invitae), Labcorp
Classification: Uncertain significance for Charcot-Marie-Tooth disease axonal type 2O. Last evaluated: 2022-08-16. Review status: criteria provided, single submitter. Criteria: Invitae Variant Classification Sherloc (09022015). Collection method: clinical testing. Allele origin: germline.
Comment: In summary, the available evidence is currently insufficient to determine the role of this variant in disease. Therefore, it has been classified as a Variant of Uncertain Significance. Advanced modeling of protein sequence and biophysical properties (such as structural, functional, and spatial information, amino acid conservation, physicochemical variation, residue mobility, and thermodynamic stability) performed at Invitae indicates that this missense variant is not expected to disrupt DYNC1H1 protein function. ClinVar contains an entry for this variant (Variation ID: 1397984). This variant has not been reported in the literature in individuals affected with DYNC1H1-related conditions. This variant is not present in population databases (gnomAD no frequency). This sequence change replaces asparagine, which is neutral and polar, with threonine, which is neutral and polar, at codon 4266 of the DYNC1H1 protein (p.Asn4266Thr).

NM_001376.5(DYNC1H1):c.12797A>C (p.Asn4266Thr)

Gene: DYNC1H1 (dynein cytoplasmic 1 heavy chain 1; plus strand). Cytogenetic location: 14q32.31.
Variant type: single nucleotide variant.
Coding change: c.12797A>C on transcript NM_001376.5 (MANE Select); coding-DNA position 12797, A replaced by C.
Protein change: p.Asn4266Thr; replaces asparagine 4266 with threonine.
Molecular consequence: missense variant.
Genome position (GRCh38, 1-based): chr14:102,044,386, A>C. VCF-style: chr14-102044386-A-C. GRCh37 (hg19) VCF-style: chr14-102510723-A-C.
Other names: short protein forms N4266T.
Identifiers: ClinVar variation 1397984 (VCV001397984.6), dbSNP rs760229878, ClinGen allele CA391043981.